The following is an entry in ClinVar:

ClinVar aggregate classification (germline): Uncertain significance (1 of 4 stars; one submission).

Conditions:
Epileptic encephalopathy. Identifiers: MedGen C0543888, HP:0200134.

Submission:

Labcorp Genetics (formerly Invitae), Labcorp
Classification: Uncertain significance for Epileptic encephalopathy. Last evaluated: 2021-06-24. Review status: criteria provided, single submitter. Criteria: Invitae Variant Classification Sherloc (09022015). Collection method: clinical testing. Allele origin: germline.
Comment: This sequence change replaces glutamic acid with lysine at codon 663 of the FASN protein (p.Glu663Lys). The glutamic acid residue is weakly conserved and there is a small physicochemical difference between glutamic acid and lysine. This variant is not present in population databases (ExAC no frequency). This variant has not been reported in the literature in individuals with FASN-related conditions. Algorithms developed to predict the effect of missense changes on protein structure and function output the following: SIFT: "Tolerated"; PolyPhen-2: "Benign"; Align-GVGD: "Class C0". The lysine amino acid residue is found in multiple mammalian species, suggesting that this missense change does not adversely affect protein function. These predictions have not been confirmed by published functional studies and their clinical significance is uncertain. In summary, the available evidence is currently insufficient to determine the role of this variant in disease. Therefore, it has been classified as a Variant of Uncertain Significance.

NM_004104.5(FASN):c.1987G>A (p.Glu663Lys)

Gene: FASN (fatty acid synthase; minus strand). Cytogenetic location: 17q25.3.
Variant type: single nucleotide variant.
Coding change: c.1987G>A on transcript NM_004104.5 (MANE Select); coding-DNA position 1987, G replaced by A.
Protein change: p.Glu663Lys; replaces glutamic acid 663 with lysine.
Molecular consequence: missense variant.
Genome position (GRCh38, 1-based): chr17:82,089,363, C>T on the plus strand (G>A on the coding strand, the complement: FASN is on the minus strand). VCF-style: chr17-82089363-C-T. GRCh37 (hg19) VCF-style: chr17-80047239-C-T.
Other names: short protein forms E663K.
Identifiers: ClinVar variation 860828 (VCV000860828.9), dbSNP rs1307566122, ClinGen allele CA401559018.